The following is an entry in ClinVar:

NM_003079.5(SMARCE1):c.672G>T (p.Met224Ile)

Gene: SMARCE1 (SWI/SNF related BAF chromatin remodeling complex subunit E1; minus strand). Cytogenetic location: 17q21.2.
Variant type: single nucleotide variant.
Coding change: c.672G>T on transcript NM_003079.5 (MANE Select); coding-DNA position 672, G replaced by T.
Protein change: p.Met224Ile; replaces methionine 224 with isoleucine.
Molecular consequence: missense variant.
Genome position (GRCh38, 1-based): chr17:40,632,237, C>A on the plus strand (G>T on the coding strand, the complement: SMARCE1 is on the minus strand). VCF-style: chr17-40632237-C-A. GRCh37 (hg19) VCF-style: chr17-38788489-C-A.
Other names: short protein forms M224I.
Identifiers: ClinVar variation 4550512 (VCV004550512.1).

ClinVar aggregate classification (germline): Uncertain significance (1 of 4 stars; one submission).

Conditions:
Hereditary cancer-predisposing syndrome. Also called: Tumor predisposition; Hereditary Cancer Syndrome; Hereditary neoplastic syndrome; Neoplastic Syndromes, Hereditary. Identifiers: Orphanet 140162, MedGen C0027672, MeSH D009386, MONDO:0015356.

Submission:

Ambry Genetics
Classification: Uncertain significance for Hereditary cancer-predisposing syndrome. Last evaluated: 2025-10-19. Review status: criteria provided, single submitter. Criteria: Ambry Variant Classification Scheme 2023. Collection method: clinical testing. Allele origin: germline.
Comment: The p.M224I variant (also known as c.672G>T), located in coding exon 7 of the SMARCE1 gene, results from a G to T substitution at nucleotide position 672. The methionine at codon 224 is replaced by isoleucine, an amino acid with highly similar properties. This amino acid position is conserved. In addition, the in silico prediction for this alteration is inconclusive. Based on the available evidence, the clinical significance of this variant remains unclear.